The following is an entry in ClinVar:

NM_015459.5(ATL3):c.758T>C (p.Ile253Thr)

Genes: ATL3 (atlastin GTPase 3; minus strand), LNCROPM (lncRNA regulator of PLAAT3 mediated phospholipid metabolism; plus strand). Cytogenetic location: 11q13.1.
Variant type: single nucleotide variant.
Coding change: c.758T>C on transcript NM_015459.5 (MANE Select); coding-DNA position 758, T replaced by C.
Protein change: p.Ile253Thr; replaces isoleucine 253 with threonine.
Molecular consequence: missense variant.
Genome position (GRCh38, 1-based): chr11:63,643,449, A>G on the plus strand (T>C on the coding strand, the complement: ATL3 is on the minus strand). VCF-style: chr11-63643449-A-G. GRCh37 (hg19) VCF-style: chr11-63410921-A-G.
Other names: c.704T>C, p.Ile235Thr (NM_001290048.2); short protein forms I253T, I235T.
Identifiers: ClinVar variation 2915461 (VCV002915461.3), dbSNP rs2495654811, ClinGen allele CA381024383.

ClinVar aggregate classification (germline): Uncertain significance (1 of 4 stars; one submission).

Conditions:
Neuropathy, hereditary sensory, type 1F. Also called: Hereditary sensory neuropathy type IF; HSN IF. Identifiers: Orphanet 36386, MedGen C3810194, MONDO:0014286, OMIM 615632.

Submission:

Labcorp Genetics (formerly Invitae), Labcorp
Classification: Uncertain significance for Neuropathy, hereditary sensory, type 1F. Last evaluated: 2023-12-19. Review status: criteria provided, single submitter. Criteria: Invitae Variant Classification Sherloc (09022015). Collection method: clinical testing. Allele origin: germline.
Comment: This sequence change replaces isoleucine, which is neutral and non-polar, with threonine, which is neutral and polar, at codon 253 of the ATL3 protein (p.Ile253Thr). This variant is not present in population databases (gnomAD no frequency). This missense change has been observed in individual(s) with spastic paraplegia (PMID: 30564185). Advanced modeling of protein sequence and biophysical properties (such as structural, functional, and spatial information, amino acid conservation, physicochemical variation, residue mobility, and thermodynamic stability) performed at Invitae indicates that this missense variant is expected to disrupt ATL3 protein function with a positive predictive value of 80%. In summary, the available evidence is currently insufficient to determine the role of this variant in disease. Therefore, it has been classified as a Variant of Uncertain Significance.

Literature cited by the submitters: PubMed 30564185.